The following is an entry in ClinVar:

NM_001142864.4(PIEZO1):c.500C>T (p.Thr167Met)

Genes: HSALR1 (HSP90AB1 associated lncRNA 1; plus strand), PIEZO1 (piezo type mechanosensitive ion channel component 1 (Er blood group); minus strand). Cytogenetic location: 16q24.3.
Variant type: single nucleotide variant.
Coding change: c.500C>T on transcript NM_001142864.4 (MANE Select); coding-DNA position 500, C replaced by T.
Protein change: p.Thr167Met; replaces threonine 167 with methionine.
Molecular consequence: missense variant. On other transcripts: non-coding transcript variant (1).
Genome position (GRCh38, 1-based): chr16:88,738,702, G>A on the plus strand (C>T on the coding strand, the complement: PIEZO1 is on the minus strand). VCF-style: chr16-88738702-G-A. GRCh37 (hg19) VCF-style: chr16-88805110-G-A.
Other names: c.500C>T (NM_001142864.3); short protein forms T167M.
Identifiers: ClinVar variation 4079561 (VCV004079561.2).

ClinVar aggregate classification (germline): Uncertain significance. Review status: criteria provided, multiple submitters, no conflicts (2 of 4 stars). 2 submissions from 2 submitters: Uncertain significance (2). Last evaluated 2025-03-24.

Conditions:
PIEZO1-related disorder. Also called: PIEZO1-related condition; PIEZO1-Related Disorders.

gnomAD v4.1: 25 of 1,533,556 alleles (0.0016%); highest among the groups gnomAD compares: South Asian, 0.0095%; no homozygotes.

Submissions (2):

PreventionGenetics, part of Exact Sciences
Classification: Uncertain significance for PIEZO1-related condition. Last evaluated: 2025-03-24. Review status: criteria provided, single submitter. Criteria: ACMG Guidelines, 2015. Collection method: clinical testing. Allele origin: germline.
Comment: The PIEZO1 c.500C>T variant is predicted to result in the amino acid substitution p.Thr167Met. To our knowledge, this variant has not been reported in the literature. This variant is reported in 0.018% of alleles in individuals of South Asian descent in gnomAD. At this time, the clinical significance of this variant is uncertain due to the absence of conclusive functional and genetic evidence.

Revvity Omics, Revvity
Classification: Uncertain significance. Last evaluated: 2024-06-24. Review status: criteria provided, single submitter. Criteria: ACMG Guidelines, 2015. Collection method: clinical testing. Allele origin: germline.